The following is an entry in ClinVar:

NM_001723.7(DST):c.5570A>C (p.Glu1857Ala)

Gene: DST (dystonin; minus strand). Cytogenetic location: 6p12.1.
Variant type: single nucleotide variant.
Coding change: c.5570A>C on transcript NM_001723.7 (MANE Plus Clinical); coding-DNA position 5570, A replaced by C.
Protein change: p.Glu1857Ala; replaces glutamic acid 1857 with alanine.
Molecular consequence: missense variant. On other transcripts: intron variant (10).
Genome position (GRCh38, 1-based): chr6:56,618,464, T>G on the plus strand (A>C on the coding strand, the complement: DST is on the minus strand). VCF-style: chr6-56618464-T-G. GRCh37 (hg19) VCF-style: chr6-56483262-T-G.
Other names: c.4831-3980A>C (NM_001144769.5); c.4930-3980A>C (NM_001374722.1, NM_001374736.1); c.4957-3980A>C (NM_001374734.1); c.4417-3980A>C (NM_001144770.2); c.4297-3980A>C (NM_001374730.1, NM_001386100.1, NM_183380.4 and 1 more transcripts); c.3319-3980A>C (NM_015548.5); short protein forms E1857A.
Identifiers: ClinVar variation 1470932 (VCV001470932.4), dbSNP rs1167764333, ClinGen allele CA364567067.
Genomic context (GRCh38, chr6:56,618,464, plus strand): 5'-GTACAGTCTTTGGCTGTGCTCTTTTTTTGAATTTCACACTGGAGCAAAACTAATTGATGT[T>G]CATGCTCTTTGATCTGTTGGTCCATTTTTTGCTTCAGGTTTTCAACCTCACGCTTCTGGG-3'
Protein context (NP_001714.1, residues 1847-1867): QKMDQQIKEH[Glu1857Ala]HQLVLLQCEI

ClinVar aggregate classification (germline): Uncertain significance (1 of 4 stars; one submission).

Conditions:
Hereditary sensory and autonomic neuropathy type 6. Also called: HSAN VI; Neuropathy, hereditary sensory and autonomic, type VI. Identifiers: Orphanet 314381, MedGen C3539003, MONDO:0013839, OMIM 614653.
Epidermolysis bullosa simplex 3, localized or generalized intermediate, with BP230 deficiency (EBS3). Also called: Epidermolysis bullosa simplex, autosomal recessive 2; Epidermolysis bullosa simplex due to BP230 deficiency. Identifiers: Orphanet 412181, MedGen C3809470, MONDO:0014180, OMIM 615425.

Allele frequency attached by ClinVar (database versions not stated): gnomAD exomes 0.00001; TOPMed 0.00001.
gnomAD v4.1: 19 of 1,614,240 alleles (0.0012%); highest among the groups gnomAD compares: Non-Finnish European, 0.0016%; no homozygotes.

Submission:

Labcorp Genetics (formerly Invitae), Labcorp
Classification: Uncertain significance for Epidermolysis bullosa simplex 3, localized or generalized intermediate, with BP230 deficiency; Hereditary sensory and autonomic neuropathy type 6. Last evaluated: 2022-08-16. Review status: criteria provided, single submitter. Criteria: Invitae Variant Classification Sherloc (09022015). Collection method: clinical testing. Allele origin: germline.
Comment: In summary, the available evidence is currently insufficient to determine the role of this variant in disease. Therefore, it has been classified as a Variant of Uncertain Significance. Algorithms developed to predict the effect of missense changes on protein structure and function are either unavailable or do not agree on the potential impact of this missense change (SIFT: "Tolerated"; PolyPhen-2: "Probably Damaging"; Align-GVGD: "Class C0"). ClinVar contains an entry for this variant (Variation ID: 1470932). This variant has not been reported in the literature in individuals affected with DST-related conditions. This variant is present in population databases (no rsID available, gnomAD 0.002%). This sequence change replaces glutamic acid, which is acidic and polar, with alanine, which is neutral and non-polar, at codon 1857 of the DST protein (p.Glu1857Ala).